The following is an entry in ClinVar:

ClinVar aggregate classification (germline): Benign (1 of 4 stars; one submission).

Allele frequency attached by ClinVar (database versions not stated): TOPMed 0.03174; gnomAD 0.03234 and 0.03262; 1000 Genomes Project 30x 0.03529; 1000 Genomes Project 0.03614.
gnomAD v4.1: 4,981 of 151,146 alleles (3.3%); highest among the groups gnomAD compares: South Asian, 6.8%; 116 homozygotes.

Submission:

GeneDx
Classification: Benign. Last evaluated: 2018-06-14. Review status: criteria provided, single submitter. Criteria: GeneDx Variant Classification (06012015). Collection method: clinical testing. Allele origin: germline. Affected: yes.
Comment: This variant is considered likely benign or benign based on one or more of the following criteria: it is a conservative change, it occurs at a poorly conserved position in the protein, it is predicted to be benign by multiple in silico algorithms, and/or has population frequency not consistent with disease.

NM_002474.3(MYH11):c.2997+284T>C

Gene: MYH11 (myosin heavy chain 11; minus strand). Cytogenetic location: 16p13.11.
Variant type: single nucleotide variant.
Coding change: c.2997+284T>C on transcript NM_002474.3 (MANE Select); 284 bases into the intron after coding-DNA position 2997, T replaced by C.
Molecular consequence: intron variant.
Genome position (GRCh38, 1-based): chr16:15,739,767, A>G on the plus strand (T>C on the coding strand, the complement: MYH11 is on the minus strand). VCF-style: chr16-15739767-A-G. GRCh37 (hg19) VCF-style: chr16-15833624-A-G.
Other names: c.2997+284T>C (NM_022844.3); c.3018+284T>C (NM_001040114.2, NM_001040113.2).
Identifiers: ClinVar variation 671049 (VCV000671049.1), dbSNP rs116692213, ClinGen allele CA16519640.
Genomic context (GRCh38, chr16:15,739,767, plus strand): 5'-CTGGTAAGCCTGTTGTTTTTAATGCAGAAACTTGATTCCACTTTTTTTTTTTTTTGAAAC[A>G]GAGTCACTCTGTCACCCAGGCTGCAGTGCAGTGGCACGATCTCAGCTCACTGCAACCTCT-3'